The following is an entry in ClinVar:

NM_000203.5(IDUA):c.494-57G>A

Gene: IDUA (alpha-L-iduronidase; plus strand). Cytogenetic location: 4p16.3.
Variant type: single nucleotide variant.
Coding change: c.494-57G>A on transcript NM_000203.5 (MANE Select); 57 bases into the intron before coding-DNA position 494, G replaced by A.
Molecular consequence: intron variant.
Genome position (GRCh38, 1-based): chr4:1,001,411, G>A. VCF-style: chr4-1001411-G-A. GRCh37 (hg19) VCF-style: chr4-995199-G-A.
Other names: c.98-57G>A (NM_001363576.1).
Identifiers: ClinVar variation 3393459 (VCV003393459.1).

ClinVar aggregate classification (germline): Pathogenic (1 of 4 stars; one submission).

Conditions:
Hurler syndrome. Also called: Gargoylism, Hurler Syndrome; MUCOPOLYSACCHARIDOSIS TYPE IH; Severe MPS I (Hurler Syndrome). Identifiers: Orphanet 93473, MedGen C0086795, MONDO:0011758, OMIM 607014.

gnomAD v4.1: 10 of 1,430,526 alleles (0.0007%); highest among the groups gnomAD compares: East Asian, 0.0023%; no homozygotes.

Submission:

Laboratory of Molecular Genetics, CHU Rennes
Classification: Pathogenic for Hurler syndrome. Last evaluated: 2024-12-01. Review status: criteria provided, single submitter. Criteria: ACMG Guidelines, 2015. Collection method: clinical testing. Allele origin: maternal. Affected: yes.
Comment: This variant was observed in cis with the variant NC_000004.12:g.1001679G>A. Each of the variants on this haplotype is predicted to have an effect on splicing. The impact of variants on splicing was confirmed by Minigene construction, with the appearance of a premature stop codon, which are commonly known mechanisms for disease. Identified in trans from another pathogenic variant in IDUA. MPS I was next confirmed by enzymatic analysis with evidence of a deficiency in α-L-iduronidase activity.